The following is an entry in ClinVar:

ClinVar aggregate classification (germline): Likely pathogenic (1 of 4 stars; one submission).

Submission:

Dasa
Classification: Likely pathogenic. Last evaluated: 2025-05-19. Review status: criteria provided, single submitter. Criteria: DASA Assertion Criteria. Collection method: clinical testing. Allele origin: germline.
Comment: NM_000287.4(PEX6):c.1830_1834del (p.His611Serfs*49) is a frameshift variant in PEX6 predicted to alter the reading frame and introduce a premature termination codon and is predicted to result in an absent or altered protein product. Loss of function is an established disease mechanism for PEX6-associated disorders. Also, this variant is absent from population databases. Based on the currently available evidence, this variant is classified as likely pathogenic.

NM_000287.4(PEX6):c.1830_1834del (p.His611fs)

Gene: PEX6 (peroxisomal biogenesis factor 6; minus strand). Cytogenetic location: 6p21.1.
Variant type: Deletion.
Coding change: c.1830_1834del on transcript NM_000287.4 (MANE Select); coding-DNA positions 1830 to 1834, 5 bases deleted (CCACC; older notation c.1830_1834delCCACC).
Protein change: p.His611fs; shifts the reading frame from histidine 611.
Molecular consequence: frameshift variant. On other transcripts: non-coding transcript variant (1).
Genome position (GRCh38, 1-based): chr6:42,967,418-42,967,422, GGTGG deleted on the plus strand (CCACC on the coding strand, the reverse complement: PEX6 is on the minus strand); deleting any 5 consecutive bases within chr6:42,967,418-42,967,423 gives the same sequence; the c. name uses the placement nearest the transcript's 3' end. VCF-style (leftmost placement, unchanged base first): chr6-42967417-AGGTGG-A. GRCh37 (hg19) VCF-style: chr6-42935155-AGGTGG-A.
Other names: c.1566_1570del, p.His523fs (NM_001316313.2); short protein forms H523fs, H611fs.
Identifiers: ClinVar variation 4880762 (VCV004880762.2).